The following is an entry in ClinVar:

ClinVar aggregate classification (germline): Conflicting classifications of pathogenicity. Review status: criteria provided, conflicting classifications (1 of 4 stars). 2 submissions from 2 submitters: Uncertain significance (1); Likely benign (1). Last evaluated 2025-07-30.

Conditions:
Hereditary cancer-predisposing syndrome. Also called: Neoplastic Syndromes, Hereditary; Tumor predisposition; Hereditary Cancer Syndrome; Hereditary neoplastic syndrome. Identifiers: Orphanet 140162, MedGen C0027672, MeSH D009386, MONDO:0015356.

Allele frequency attached by ClinVar (database versions not stated): gnomAD exomes below 0.00001.
gnomAD v4.1: 1 of 1,614,106 alleles (0.000062%); highest among the groups gnomAD compares: Non-Finnish European, 0.000085%; no homozygotes.

Submissions (2):

Labcorp Genetics (formerly Invitae), Labcorp
Classification: Uncertain significance. Last evaluated: 2025-07-30. Review status: criteria provided, single submitter. Criteria: Invitae Variant Classification Sherloc (09022015). Collection method: clinical testing. Allele origin: germline.
Comment: This sequence change replaces isoleucine, which is neutral and non-polar, with valine, which is neutral and non-polar, at codon 1254 of the POLE protein (p.Ile1254Val). This variant is not present in population databases (gnomAD no frequency). This variant has not been reported in the literature in individuals affected with POLE-related conditions. ClinVar contains an entry for this variant (Variation ID: 2816364). Invitae Evidence Modeling of protein sequence and biophysical properties (such as structural, functional, and spatial information, amino acid conservation, physicochemical variation, residue mobility, and thermodynamic stability) indicates that this missense variant is not expected to disrupt POLE protein function with a negative predictive value of 80%. In summary, the available evidence is currently insufficient to determine the role of this variant in disease. Therefore, it has been classified as a Variant of Uncertain Significance.

Ambry Genetics
Classification: Likely benign for Hereditary cancer-predisposing syndrome. Last evaluated: 2024-10-05. Review status: criteria provided, single submitter. Criteria: Ambry Variant Classification Scheme 2023. Collection method: clinical testing. Allele origin: germline.

NM_006231.4(POLE):c.3760A>G (p.Ile1254Val)

Gene: POLE (DNA polymerase epsilon, catalytic subunit; minus strand). Cytogenetic location: 12q24.33.
Variant type: single nucleotide variant.
Coding change: c.3760A>G on transcript NM_006231.4 (MANE Select); coding-DNA position 3760, A replaced by G.
Protein change: p.Ile1254Val; replaces isoleucine 1254 with valine.
Molecular consequence: missense variant.
Genome position (GRCh38, 1-based): chr12:132,649,712, T>C on the plus strand (A>G on the coding strand, the complement: POLE is on the minus strand). VCF-style: chr12-132649712-T-C. GRCh37 (hg19) VCF-style: chr12-133226298-T-C.
Other names: c.3760A>G (NM_006231.2); short protein forms I1254V.
Identifiers: ClinVar variation 2816364 (VCV002816364.4), dbSNP rs2541953524, ClinGen allele CA387386085.
Genomic context (GRCh38, chr12:132,649,712, plus strand): 5'-ACAGTATCACAGCTGTGTGCCTTACCTGGCTGGTTCCCAGGGCGGGAGGCTGCCCCAAGA[T>C]TTCCTGCCAGGGCACAGTCGGCGTGAGGTCCTGGGACTCCTCCTGGCTCTCCCAAAGAAC-3'
Protein context (NP_006222.2, residues 1244-1264): DLTPTVPWQE[Ile1254Val]LGQPPALGTS